The following is an entry in ClinVar:

NM_173495.3(PTCHD1):c.2432C>T (p.Pro811Leu)

Gene: PTCHD1 (patched domain containing 1; plus strand). Cytogenetic location: Xp22.11.
Variant type: single nucleotide variant.
Coding change: c.2432C>T on transcript NM_173495.3 (MANE Select); coding-DNA position 2432, C replaced by T.
Protein change: p.Pro811Leu; replaces proline 811 with leucine.
Molecular consequence: missense variant.
Genome position (GRCh38, 1-based): chrX:23,393,950, C>T. VCF-style: chrX-23393950-C-T. GRCh37 (hg19) VCF-style: chrX-23412067-C-T.
Other names: short protein forms P811L.
Identifiers: ClinVar variation 3311212 (VCV003311212.1).

ClinVar aggregate classification (germline): Uncertain significance (1 of 4 stars; one submission).

Conditions:
Inborn genetic diseases. Identifiers: MedGen C0950123, MeSH D030342.

Submission:

Ambry Genetics
Classification: Uncertain significance for Inborn genetic diseases. Last evaluated: 2024-03-28. Review status: criteria provided, single submitter. Criteria: Ambry Variant Classification Scheme 2023. Collection method: clinical testing. Allele origin: germline.
Comment: The c.2432C>T (p.P811L) alteration is located in exon 3 (coding exon 3) of the PTCHD1 gene. This alteration results from a C to T substitution at nucleotide position 2432, causing the proline (P) at amino acid position 811 to be replaced by a leucine (L). This variant was not reported in population-based cohorts in the Genome Aggregation Database (gnomAD). This amino acid position is highly conserved in available vertebrate species. This alteration is predicted to be deleterious by in silico analysis. Based on insufficient or conflicting evidence, the clinical significance of this alteration remains unclear.